The following is an entry in ClinVar:

NM_153700.2(STRC):c.(?_4845)-59_(4993_?)+61dup

Gene: STRC (stereocilin; minus strand). Cytogenetic location: 15q15.3.
Variant type: Duplication.
Identifiers: ClinVar variation 517168 (VCV000517168.4).

ClinVar aggregate classification (germline): Uncertain significance (1 of 4 stars; one submission).

Submission:

Laboratory for Molecular Medicine, Mass General Brigham Personalized Medicine
Classification: Uncertain significance. Last evaluated: 2016-11-18. Review status: criteria provided, single submitter. Criteria: LMM Criteria. Collection method: clinical testing. Allele origin: germline. Observed: 1 variant allele.
Comment: The duplication of exon 26 in STRC has not been previously reported in individua ls with hearing loss. Due to limitations of the testing methodology, the exact b reakpoints of the detected duplication could not be determined. In addition, it cannot be determined where the duplicated copy of exon 26 occurs and whether it disrupts the STRC gene. In summary, the clinical significance of this variant is uncertain.